The following is an entry in ClinVar:

ClinVar aggregate classification (germline): Uncertain significance (1 of 4 stars; one submission).

Conditions:
Fanconi anemia (FA). Also called: Fanconi's anemia. Identifiers: Orphanet 84, MedGen C0015625, MeSH D005199, MONDO:0019391.

Allele frequency attached by ClinVar (database versions not stated): gnomAD exomes 0.00001.
gnomAD v4.1: 3 of 1,611,996 alleles (0.00019%); highest among the groups gnomAD compares: South Asian, 0.0033%; no homozygotes.

Submission:

Labcorp Genetics (formerly Invitae), Labcorp
Classification: Uncertain significance for Fanconi anemia. Last evaluated: 2023-05-22. Review status: criteria provided, single submitter. Criteria: Invitae Variant Classification Sherloc (09022015). Collection method: clinical testing. Allele origin: germline.
Comment: In summary, the available evidence is currently insufficient to determine the role of this variant in disease. Therefore, it has been classified as a Variant of Uncertain Significance. Algorithms developed to predict the effect of missense changes on protein structure and function output the following: SIFT: "Not Available"; PolyPhen-2: "Benign"; Align-GVGD: "Not Available". The asparagine amino acid residue is found in multiple mammalian species, which suggests that this missense change does not adversely affect protein function. This variant has not been reported in the literature in individuals affected with SLX4-related conditions. This variant is present in population databases (no rsID available, gnomAD 0.007%). This sequence change replaces aspartic acid, which is acidic and polar, with asparagine, which is neutral and polar, at codon 1474 of the SLX4 protein (p.Asp1474Asn).

NM_032444.4(SLX4):c.4420G>A (p.Asp1474Asn)

Gene: SLX4 (SLX4 structure-specific endonuclease subunit; minus strand). Cytogenetic location: 16p13.3.
Variant type: single nucleotide variant.
Coding change: c.4420G>A on transcript NM_032444.4 (MANE Select); coding-DNA position 4420, G replaced by A.
Protein change: p.Asp1474Asn; replaces aspartic acid 1474 with asparagine.
Molecular consequence: missense variant.
Genome position (GRCh38, 1-based): chr16:3,589,218, C>T on the plus strand (G>A on the coding strand, the complement: SLX4 is on the minus strand). VCF-style: chr16-3589218-C-T. GRCh37 (hg19) VCF-style: chr16-3639219-C-T.
Other names: short protein forms D1474N.
Identifiers: ClinVar variation 3020217 (VCV003020217.3), dbSNP rs1451828066, ClinGen allele CA394517178.